The following is an entry in ClinVar:

NM_181882.3(PRX):c.320T>G (p.Leu107Arg)

Gene: PRX (periaxin; minus strand). Cytogenetic location: 19q13.2.
Variant type: single nucleotide variant.
Coding change: c.320T>G on transcript NM_181882.3 (MANE Select); coding-DNA position 320, T replaced by G.
Protein change: p.Leu107Arg; replaces leucine 107 with arginine.
Molecular consequence: missense variant.
Genome position (GRCh38, 1-based): chr19:40,398,681, A>C on the plus strand (T>G on the coding strand, the complement: PRX is on the minus strand). VCF-style: chr19-40398681-A-C. GRCh37 (hg19) VCF-style: chr19-40904588-A-C.
Other names: c.605T>G, p.Leu202Arg (NM_001411127.1); c.320T>G, p.Leu107Arg (NM_020956.2); short protein forms L107R, L202R.
Identifiers: ClinVar variation 2990365 (VCV002990365.3), dbSNP rs1001867586, ClinGen allele CA308422456.

ClinVar aggregate classification (germline): Uncertain significance (1 of 4 stars; one submission).

Conditions:
Charcot-Marie-Tooth disease type 4. Also called: Charcot-Marie-Tooth disease, type IV; Charcot-Marie-Tooth, Type 4. Identifiers: Orphanet 64749, MedGen C4082197, MONDO:0018995.

Allele frequency attached by ClinVar (database versions not stated): gnomAD exomes below 0.00001; gnomAD 0.00001; TOPMed 0.00001.
gnomAD v4.1: 3 of 1,613,898 alleles (0.00019%); highest among the groups gnomAD compares: Non-Finnish European, 0.00025%; 1 homozygote.

Submission:

Labcorp Genetics (formerly Invitae), Labcorp
Classification: Uncertain significance for Charcot-Marie-Tooth disease type 4. Last evaluated: 2022-12-25. Review status: criteria provided, single submitter. Criteria: Invitae Variant Classification Sherloc (09022015). Collection method: clinical testing. Allele origin: germline.
Comment: In summary, the available evidence is currently insufficient to determine the role of this variant in disease. Therefore, it has been classified as a Variant of Uncertain Significance. Algorithms developed to predict the effect of missense changes on protein structure and function are either unavailable or do not agree on the potential impact of this missense change (SIFT: "Deleterious"; PolyPhen-2: "Possibly Damaging"; Align-GVGD: "Class C0"). This variant has not been reported in the literature in individuals affected with PRX-related conditions. This variant is not present in population databases (gnomAD no frequency). This sequence change replaces leucine, which is neutral and non-polar, with arginine, which is basic and polar, at codon 107 of the PRX protein (p.Leu107Arg).